The following is an entry in ClinVar:

NM_001170629.2(CHD8):c.6373A>G (p.Met2125Val)

Gene: CHD8 (chromodomain helicase DNA binding protein 8; minus strand). Cytogenetic location: 14q11.2.
Variant type: single nucleotide variant.
Coding change: c.6373A>G on transcript NM_001170629.2 (MANE Select); coding-DNA position 6373, A replaced by G.
Protein change: p.Met2125Val; replaces methionine 2125 with valine.
Molecular consequence: missense variant.
Genome position (GRCh38, 1-based): chr14:21,393,201, T>C on the plus strand (A>G on the coding strand, the complement: CHD8 is on the minus strand). VCF-style: chr14-21393201-T-C. GRCh37 (hg19) VCF-style: chr14-21861360-T-C.
Other names: c.5536A>G, p.Met1846Val (NM_020920.4); short protein forms M1846V, M2125V.
Identifiers: ClinVar variation 1435145 (VCV001435145.7), dbSNP rs377109513, ClinGen allele CA7090789.

ClinVar aggregate classification (germline): Conflicting classifications of pathogenicity. Review status: criteria provided, conflicting classifications (1 of 4 stars). 2 submissions from 2 submitters: Uncertain significance (1); Likely benign (1). Last evaluated 2025-08-11.

Conditions:
Inborn genetic diseases. Identifiers: MedGen C0950123, MeSH D030342.

Allele frequency attached by ClinVar (database versions not stated): gnomAD 0.00003; gnomAD exomes 0.00005 and 0.00006; TOPMed 0.00005; ExAC 0.00006; ESP Exome Variant Server 0.00008.
gnomAD v4.1: 97 of 1,613,804 alleles (0.006%); highest among the groups gnomAD compares: Middle Eastern, 0.016%; no homozygotes.

Submissions (2):

Labcorp Genetics (formerly Invitae), Labcorp
Classification: Likely benign. Last evaluated: 2025-08-11. Review status: criteria provided, single submitter. Criteria: Invitae Variant Classification Sherloc (09022015). Collection method: clinical testing. Allele origin: germline.

Ambry Genetics
Classification: Uncertain significance for Inborn genetic diseases. Last evaluated: 2018-02-02. Review status: criteria provided, single submitter. Criteria: Ambry Variant Classification Scheme 2023. Collection method: clinical testing. Allele origin: germline.
Comment: The p.M2125V variant (also known as c.6373A>G), located in coding exon 32 of the CHD8 gene, results from an A to G substitution at nucleotide position 6373. The methionine at codon 2125 is replaced by valine, an amino acid with highly similar properties. This amino acid position is not well conserved in available vertebrate species. In addition, this alteration is predicted to be tolerated by in silico analysis. Since supporting evidence is limited at this time, the clinical significance of this alteration remains unclear.